The following is an entry in ClinVar:

NM_000081.4(LYST):c.2258G>A (p.Ser753Asn)

Gene: LYST (lysosomal trafficking regulator; minus strand). Cytogenetic location: 1q42.3.
Variant type: single nucleotide variant.
Coding change: c.2258G>A on transcript NM_000081.4 (MANE Select); coding-DNA position 2258, G replaced by A.
Protein change: p.Ser753Asn; replaces serine 753 with asparagine.
Molecular consequence: missense variant.
Genome position (GRCh38, 1-based): chr1:235,808,560, C>T on the plus strand (G>A on the coding strand, the complement: LYST is on the minus strand). VCF-style: chr1-235808560-C-T. GRCh37 (hg19) VCF-style: chr1-235971860-C-T.
Other names: p.Ser753Asn; c.2258G>A (NM_000081.2); c.2258G>A, p.Ser753Asn (NM_001301365.1); short protein forms S753N.
Identifiers: ClinVar variation 296424 (VCV000296424.18), dbSNP rs746829669, ClinGen allele CA1467336.

ClinVar aggregate classification (germline): Conflicting classifications of pathogenicity. Review status: criteria provided, conflicting classifications (1 of 4 stars). 9 submissions from 9 submitters: Uncertain significance (8); Likely benign (1). Last evaluated 2025-09-25.

Conditions:
Chédiak-Higashi syndrome (CHS). Also called: Chediak-Higashi Syndrome. Identifiers: Orphanet 167, MedGen C0007965, MONDO:0008963, OMIM 214500.
Inborn genetic diseases. Identifiers: MedGen C0950123, MeSH D030342.
LYST-related disorder. Also called: LYST-related condition.

Allele frequency attached by ClinVar (database versions not stated): ExAC 0.00006; gnomAD exomes 0.00010; gnomAD 0.00015; TOPMed 0.00033.
gnomAD v4.1: 179 of 1,613,888 alleles (0.011%); highest among the groups gnomAD compares: Middle Eastern, 0.099%; no homozygotes.

Submissions (9):

Mayo Clinic Laboratories, Mayo Clinic
Classification: Uncertain significance. Last evaluated: 2025-09-25. Review status: criteria provided, single submitter. Criteria: ACMG Guidelines, 2015. Collection method: clinical testing. Allele origin: germline. Observed: 1 variant allele.
Comment: BP4_moderate

PreventionGenetics, part of Exact Sciences
Classification: Uncertain significance for LYST-related condition. Last evaluated: 2025-09-24. Review status: criteria provided, single submitter. Criteria: ACMG Guidelines, 2015. Collection method: clinical testing. Allele origin: germline.
Comment: The LYST c.2258G>A variant is predicted to result in the amino acid substitution p.Ser753Asn. To our knowledge, this variant has not been reported in the literature. This variant is reported in 0.034% of alleles in individuals of Latino descent in gnomAD. At this time, the clinical significance of this variant is uncertain due to the absence of conclusive functional and genetic evidence.

Ambry Genetics
Classification: Likely benign for Inborn genetic diseases. Last evaluated: 2025-07-16. Review status: criteria provided, single submitter. Criteria: Ambry Variant Classification Scheme 2023. Collection method: clinical testing. Allele origin: germline.

Labcorp Genetics (formerly Invitae), Labcorp
Classification: Uncertain significance for Chédiak-Higashi syndrome. Last evaluated: 2022-10-13. Review status: criteria provided, single submitter. Criteria: Invitae Variant Classification Sherloc (09022015). Collection method: clinical testing. Allele origin: germline.
Comment: This sequence change replaces serine, which is neutral and polar, with asparagine, which is neutral and polar, at codon 753 of the LYST protein (p.Ser753Asn). This variant is present in population databases (rs746829669, gnomAD 0.03%). This variant has not been reported in the literature in individuals affected with LYST-related conditions. ClinVar contains an entry for this variant (Variation ID: 296424). Advanced modeling of protein sequence and biophysical properties (such as structural, functional, and spatial information, amino acid conservation, physicochemical variation, residue mobility, and thermodynamic stability) performed at Invitae indicates that this missense variant is not expected to disrupt LYST protein function. In summary, the available evidence is currently insufficient to determine the role of this variant in disease. Therefore, it has been classified as a Variant of Uncertain Significance.

Fulgent Genetics
Classification: Uncertain significance for Chédiak-Higashi syndrome. Last evaluated: 2021-08-26. Review status: criteria provided, single submitter. Criteria: ACMG Guidelines, 2015. Collection method: clinical testing. Allele origin: unknown.

Baylor Genetics
Classification: Uncertain significance for Chédiak-Higashi syndrome. Last evaluated: 2019-10-19. Review status: criteria provided, single submitter. Criteria: ACMG Guidelines, 2015. Collection method: clinical testing. Allele origin: unknown. Affected: yes.
Comment: This variant was determined to be of uncertain significance according to ACMG Guidelines, 2015 [PMID:25741868].

Revvity Omics, Revvity
Classification: Uncertain significance for Chédiak-Higashi syndrome. Last evaluated: 2019-07-25. Review status: criteria provided, single submitter. Criteria: ACMG Guidelines, 2015. Collection method: clinical testing. Allele origin: germline.

Illumina Laboratory Services, Illumina
Classification: Uncertain significance for Chédiak-Higashi syndrome. Last evaluated: 2018-01-13. Review status: criteria provided, single submitter. Criteria: ICSL Variant Classification Criteria 13 December 2019. Collection method: clinical testing. Allele origin: germline.

Breakthrough Genomics
Classification: Uncertain significance. Review status: criteria provided, single submitter. Criteria: ACMG Guidelines, 2015. Collection method: not provided. Allele origin: germline. Inheritance: Autosomal recessive inheritance. Affected: yes.

Literature cited by the submitters: PubMed 35562849 (cited by Mayo Clinic Laboratories, Mayo Clinic).